The following is an entry in ClinVar:

NM_182961.4(SYNE1):c.14116G>A (p.Val4706Ile)

Gene: SYNE1 (spectrin repeat containing nuclear envelope protein 1; minus strand). Cytogenetic location: 6q25.2.
Variant type: single nucleotide variant.
Coding change: c.14116G>A on transcript NM_182961.4 (MANE Select); coding-DNA position 14116, G replaced by A.
Protein change: p.Val4706Ile; replaces valine 4706 with isoleucine.
Molecular consequence: missense variant.
Genome position (GRCh38, 1-based): chr6:152,330,569, C>T on the plus strand (G>A on the coding strand, the complement: SYNE1 is on the minus strand). VCF-style: chr6-152330569-C-T. GRCh37 (hg19) VCF-style: chr6-152651704-C-T.
Other names: c.13903G>A, p.Val4635Ile (NM_033071.5); short protein forms V4635I, V4706I.
Identifiers: ClinVar variation 642762 (VCV000642762.4), dbSNP rs374596074, ClinGen allele CA4056067.
Genomic context (GRCh38, chr6:152,330,569, plus strand): 5'-GGCCCGCCACCTCGTCCAGAATGGCTCTGCAACCATCTTGCAGAGAAAGAGCCTCCTCAA[C>T]GGCCAGGTCGGTGGGAACTTTGCTCATCCTCAAGAATTGGGCTTCAAGTTCACTCAGAGA-3'
Protein context (NP_892006.3, residues 4696-4716): RMSKVPTDLA[Val4706Ile]EEALSLQDGC

ClinVar aggregate classification (germline): Uncertain significance (1 of 4 stars; one submission).

Conditions:
Autosomal recessive ataxia, Beauce type. Also called: Spinocerebellar ataxia, autosomal recessive 8; ATAXIA, RECESSIVE, OF BEAUCE; SYNE1 Deficiency; SYNE1-Related Autosomal Recessive Cerebellar Ataxia. Identifiers: Orphanet 88644, MedGen C1853116, MONDO:0012549, OMIM 610743.
Emery-Dreifuss muscular dystrophy 4, autosomal dominant (EDMD4). Also called: EMERY-DREIFUSS MUSCULAR DYSTROPHY 4 WITH VARIABLE FEATURES. Identifiers: Orphanet 261, MedGen C2751807, MONDO:0013071, OMIM 612998.

Allele frequency attached by ClinVar (database versions not stated): gnomAD 0.00002 and 0.00004; TOPMed 0.00003; ESP Exome Variant Server 0.00008; 1000 Genomes Project 30x 0.00031; 1000 Genomes Project 0.00040.
gnomAD v4.1: 40 of 1,613,946 alleles (0.0025%); highest among the groups gnomAD compares: Middle Eastern, 0.033%; no homozygotes.

Submission:

Labcorp Genetics (formerly Invitae), Labcorp
Classification: Uncertain significance for Emery-Dreifuss muscular dystrophy 4, autosomal dominant; Autosomal recessive ataxia, Beauce type. Last evaluated: 2022-07-05. Review status: criteria provided, single submitter. Criteria: Invitae Variant Classification Sherloc (09022015). Collection method: clinical testing. Allele origin: germline.
Comment: This sequence change replaces valine, which is neutral and non-polar, with isoleucine, which is neutral and non-polar, at codon 4635 of the SYNE1 protein (p.Val4635Ile). This variant is present in population databases (rs374596074, gnomAD 0.02%). This variant has not been reported in the literature in individuals affected with SYNE1-related conditions. ClinVar contains an entry for this variant (Variation ID: 642762). Algorithms developed to predict the effect of missense changes on protein structure and function output the following: SIFT: "Tolerated"; PolyPhen-2: "Benign"; Align-GVGD: "Class C0". The isoleucine amino acid residue is found in multiple mammalian species, which suggests that this missense change does not adversely affect protein function. In summary, the available evidence is currently insufficient to determine the role of this variant in disease. Therefore, it has been classified as a Variant of Uncertain Significance.